The following is an entry in ClinVar:

ClinVar aggregate classification (germline): Conflicting classifications of pathogenicity. Review status: criteria provided, conflicting classifications (1 of 4 stars). 2 submissions from 2 submitters: Likely pathogenic (1); Uncertain significance (1). Last evaluated 2024-06-18.

Conditions:
FGFR2-related craniosynostosis. Identifiers: MedGen CN231480.
Bent bone dysplasia syndrome 1 (BBDS1). Also called: FGFR2-related bent bone dysplasia. Identifiers: Orphanet 313855, MedGen C3281247, MONDO:0013815, OMIM 614592.
Familial scaphocephaly syndrome, McGillivray type. Also called: SCAPHOCEPHALY, MAXILLARY RETRUSION, AND IMPAIRED INTELLECTUAL DEVELOPMENT. Identifiers: Orphanet 168624, MedGen C1865070, MONDO:0012307, OMIM 609579.
Crouzon syndrome. Also called: CRANIOFACIAL DYSOSTOSIS, TYPE I; Craniofacial dysostosis type 1; Crouzon craniofacial dysostosis; Crouzon disease; Craniofacial dysostosis. Identifiers: Orphanet 207, MedGen C0010273, MeSH D003394, MONDO:0007405, OMIM 123500, HP:0004439.
Beare-Stevenson cutis gyrata syndrome (BSTVS). Identifiers: Orphanet 1555, MedGen C1852406, MONDO:0007412, OMIM 123790.
Pfeiffer syndrome (ACS5). Also called: ACS V. Identifiers: Orphanet 710, MedGen C0220658, MONDO:0007043, OMIM 101600.
Antley-Bixler syndrome without genital anomalies or disordered steroidogenesis (ABS2). Also called: MULTISYNOSTOTIC OSTEODYSGENESIS WITH LONG BONE FRACTURES; Antley-Bixler Syndrome, Autosomal Dominant; Trapezoidocephaly synostosis syndrome; Osteodysgenesis, multisynostotic with fractures. Identifiers: Orphanet 596008, Orphanet 83, MedGen C2936791, MONDO:0020667, OMIM 207410.
Gastric cancer. Also called: Malignant tumor of stomach; Stomach cancer. Identifiers: MedGen C0024623, MeSH D013274, MONDO:0001056, OMIM 613659, HP:0012126.
Acrocephalosyndactyly type I (ACS1). Also called: Apert syndrome; Acrocephalo-syndactyly type 1; ACS 1; Syndactylic oxycephaly. Identifiers: Orphanet 87, MedGen C0001193, MONDO:0007041, OMIM 101200.
Jackson-Weiss syndrome (JWS). Also called: CRANIOSYNOSTOSIS, MIDFACIAL HYPOPLASIA, AND FOOT ABNORMALITIES. Identifiers: Orphanet 1540, MedGen C0795998, MONDO:0007400, OMIM 123150. Disease mechanism: loss of function.
Saethre-Chotzen syndrome (SCS). Also called: ACROCEPHALY, SKULL ASYMMETRY, AND MILD SYNDACTYLY; ACS III; CHOTZEN SYNDROME. Identifiers: Orphanet 794, MedGen C0175699, MONDO:0007042, OMIM 101400.
LADD syndrome 1 (LADD1). Also called: Lacrimoauriculodentodigital syndrome 1. Identifiers: MedGen C5774323, MONDO:0100302, OMIM 149730.

Allele frequency attached by ClinVar (database versions not stated): gnomAD exomes below 0.00001; TOPMed below 0.00001; gnomAD 0.00001.
gnomAD v4.1: 3 of 1,614,028 alleles (0.00019%); highest among the groups gnomAD compares: Non-Finnish European, 0.00025%; no homozygotes.

Submissions (2):

Fulgent Genetics
Classification: Uncertain significance for Acrocephalosyndactyly type I; Saethre-Chotzen syndrome; Pfeiffer syndrome; Jackson-Weiss syndrome; Crouzon syndrome; Beare-Stevenson cutis gyrata syndrome; LADD syndrome 1; Antley-Bixler syndrome without genital anomalies or disordered steroidogenesis; Familial scaphocephaly syndrome, McGillivray type; Gastric cancer; Bent bone dysplasia syndrome 1. Last evaluated: 2024-06-18. Review status: criteria provided, single submitter. Criteria: ACMG Guidelines, 2015. Collection method: clinical testing. Allele origin: germline.

Labcorp Genetics (formerly Invitae), Labcorp
Classification: Likely pathogenic for FGFR2-related craniosynostosis. Last evaluated: 2023-12-27. Review status: criteria provided, single submitter. Criteria: Invitae Variant Classification Sherloc (09022015). Collection method: clinical testing. Allele origin: germline.
Comment: This sequence change replaces aspartic acid, which is acidic and polar, with glutamic acid, which is acidic and polar, at codon 321 of the FGFR2 protein (p.Asp321Glu). This variant is not present in population databases (gnomAD no frequency). This variant has not been reported in the literature in individuals affected with FGFR2-related conditions. Advanced modeling of protein sequence and biophysical properties (such as structural, functional, and spatial information, amino acid conservation, physicochemical variation, residue mobility, and thermodynamic stability) performed at Invitae indicates that this missense variant is expected to disrupt FGFR2 protein function with a positive predictive value of 95%. This variant disrupts the p.Asp321 amino acid residue in FGFR2. Other variant(s) that disrupt this residue have been determined to be pathogenic (PMID: 7719333, 9531645, 9586546, 10394936, 29109840; Invitae). This suggests that this residue is clinically significant, and that variants that disrupt this residue are likely to be disease-causing. In summary, the currently available evidence indicates that the variant is pathogenic, but additional data are needed to prove that conclusively. Therefore, this variant has been classified as Likely Pathogenic.

Literature cited by the submitters: PubMed 7719333 (cited by Labcorp Genetics (formerly Invitae), Labcorp); PubMed 9531645 (cited by Labcorp Genetics (formerly Invitae), Labcorp); PubMed 9586546 (cited by Labcorp Genetics (formerly Invitae), Labcorp); PubMed 10394936 (cited by Labcorp Genetics (formerly Invitae), Labcorp); PubMed 29109840 (cited by Labcorp Genetics (formerly Invitae), Labcorp).

NM_000141.5(FGFR2):c.963C>A (p.Asp321Glu)

Gene: FGFR2 (fibroblast growth factor receptor 2; minus strand). Cytogenetic location: 10q26.13.
Variant type: single nucleotide variant.
Coding change: c.963C>A on transcript NM_000141.5 (MANE Select); coding-DNA position 963, C replaced by A.
Protein change: p.Asp321Glu; replaces aspartic acid 321 with glutamic acid.
Molecular consequence: missense variant. On other transcripts: non-coding transcript variant (1), intron variant (5).
Genome position (GRCh38, 1-based): chr10:121,517,440, G>T on the plus strand (C>A on the coding strand, the complement: FGFR2 is on the minus strand). VCF-style: chr10-121517440-G-T. GRCh37 (hg19) VCF-style: chr10-123276954-G-T.
Other names: c.696C>A, p.Asp232Glu (NM_001144915.2, NM_023029.3); c.618C>A, p.Asp206Glu (NM_001144916.2, NM_001144918.2); c.279C>A, p.Asp93Glu (NM_001320654.2); c.963C>A, p.Asp321Glu (NM_001320658.2); c.749-2121C>A (NM_001144914.1); c.939+2539C>A (NM_001144917.2); c.1087+1242C>A (NM_022970.4, NM_001144913.1); c.820+1242C>A (NM_001144919.2); short protein forms D321E, D206E, D232E, D93E.
Identifiers: ClinVar variation 2977031 (VCV002977031.4), dbSNP rs1318903454, ClinGen allele CA378328473.